The following is an entry in ClinVar:

NM_033380.3(COL4A5):c.1949G>A (p.Gly650Asp)

Gene: COL4A5 (collagen type IV alpha 5 chain; plus strand). Cytogenetic location: Xq22.3.
Variant type: single nucleotide variant.
Coding change: c.1949G>A on transcript NM_033380.3 (MANE Select); coding-DNA position 1949, G replaced by A.
Protein change: p.Gly650Asp; replaces glycine 650 with aspartic acid.
Molecular consequence: missense variant.
Genome position (GRCh38, 1-based): chrX:108,601,393, G>A. VCF-style: chrX-108601393-G-A. GRCh37 (hg19) VCF-style: chrX-107844623-G-A.
Other names: c.1949G>A (NM_033380.2); c.1949G>A, p.Gly650Asp (NM_000495.5); short protein forms G650D.
Identifiers: ClinVar variation 939371 (VCV000939371.10), dbSNP rs2066625021, ClinGen allele CA413846631.

ClinVar aggregate classification (germline): Pathogenic/Likely pathogenic. Review status: criteria provided, multiple submitters, no conflicts (2 of 4 stars). 2 submissions from 2 submitters: Pathogenic (1); Likely pathogenic (1). Last evaluated 2024-10-08.

Conditions:
X-linked Alport syndrome (ATS1). Also called: NEPHROPATHY AND DEAFNESS, X-LINKED; COL4A5-Related Nephropathy. Identifiers: Orphanet 63, Orphanet 88917, MedGen C4746986, MONDO:0010520, OMIM 301050.

Submissions (2):

Victorian Clinical Genetics Services, Murdoch Childrens Research Institute
Classification: Pathogenic for X-linked Alport syndrome. Last evaluated: 2024-10-08. Review status: criteria provided, single submitter. Criteria: ACMG Guidelines, 2015. Collection method: clinical testing. Allele origin: germline. Inheritance: X-linked dominant inheritance. Affected: yes.
Comment: Based on the classification scheme VCGS_Germline_v1.3.4, this variant is classified as Pathogenic. Following criteria are met: 0103 - Dominant negative and loss of function are known mechanisms of disease in this gene and are associated with X-linked Alport syndrome 1 (MIM#301050). Dominant negative is caused mostly by glycine substitutions that affect the conformation of the protein, and loss of function can be caused by either protein truncating or missense variants (PMID: 24046192, 12028435). (I) 0110 - This gene is associated with X-linked dominant disease. Males are typically more severely affected than females (PMID: 19965530). (I) 0115 - Variants in this gene are known to have variable expressivity. There is intrafamilial variability among affected carrier females, possibly due to variable X-inactivation (PMID: 14514738). (I) 0200 - Variant is predicted to result in a missense amino acid change from glycine to aspartic acid. (I) 0253 - This variant is hemizygous. (I) 0301 - Variant is absent from gnomAD (both v2 and v3). (SP) 0501 - Missense variant consistently predicted to be damaging by multiple in silico tools or highly conserved with a major amino acid change. (SP) 0601 - Variant is located in the well-established functional glycine change within a Gly-X-Y motif (DECIPHER). (SP) 0703 - Other missense variants comparable to the one identified in this case has moderate previous evidence for pathogenicity. p.(Gly650Arg), p.(Gly650Ser) and p.(Gly650Cys) have been reported as pathogenic in multiple unrelated individuals with X-linked Alport syndrome (LOVD; ClinVar; PMIDs: 33352923, 33040356, 22921432, 35368817, 36239278, 35004319). (SP) 0802 - This variant has moderate previous evidence of pathogenicity in unrelated individuals. The variant has been reported multiple times in individuals with Alport syndrome (LOVD), and has been classified as likely pathogenic once by a clinical laboratory (ClinVar). (SP) 0905 - No published segregation evidence has been identified for this variant. (I) 1007 - No published functional evidence has been identified for this variant. (I) 1208 - Inheritance information for this variant is not currently available in this individual. (I) Legend: (SP) - Supporting pathogenic, (I) - Information, (SB) - Supporting benign

Labcorp Genetics (formerly Invitae), Labcorp
Classification: Likely pathogenic. Last evaluated: 2019-09-14. Review status: criteria provided, single submitter. Criteria: Invitae Variant Classification Sherloc (09022015). Collection method: clinical testing. Allele origin: germline.
Comment: Algorithms developed to predict the effect of missense changes on protein structure and function (SIFT, PolyPhen-2, Align-GVGD) all suggest that this variant is likely to be disruptive, but these predictions have not been confirmed by published functional studies and their clinical significance is uncertain. Glycine residues within the Gly-Xaa-Yaa repeats of the triple helix domain are required for the structure and stability of fibrillar collagens (PMID: 7695699, 8218237, 19344236). In COL4A5, missense variants at these glycine residues are significantly enriched in individuals with disease (PMID: 23720012, 27627812) compared to the general population (ExAC). In summary, this variant is a novel missense change affecting a residue that is known to be critical for normal protein structure, stability and function. This type of missense change is also highly enriched in affected individuals and expected to be pathogenic. However, without additional functional and/or genetic data, this variant has been classified as Likely Pathogenic. This variant has not been reported in the literature in individuals with COL4A5-related conditions. This variant is not present in population databases (ExAC no frequency). This sequence change replaces glycine with aspartic acid at codon 650 of the COL4A5 protein (p.Gly650Asp). The glycine residue is highly conserved and there is a moderate physicochemical difference between glycine and aspartic acid.

Literature cited by the submitters: PubMed 12028435 (cited by Victorian Clinical Genetics Services, Murdoch Childrens Research Institute); PubMed 14514738 (cited by Victorian Clinical Genetics Services, Murdoch Childrens Research Institute); PubMed 19965530 (cited by Victorian Clinical Genetics Services, Murdoch Childrens Research Institute); PubMed 22921432 (cited by Victorian Clinical Genetics Services, Murdoch Childrens Research Institute); PubMed 24046192 (cited by Victorian Clinical Genetics Services, Murdoch Childrens Research Institute); PubMed 33040356 (cited by Victorian Clinical Genetics Services, Murdoch Childrens Research Institute); PubMed 33352923 (cited by Victorian Clinical Genetics Services, Murdoch Childrens Research Institute); PubMed 35004319 (cited by Victorian Clinical Genetics Services, Murdoch Childrens Research Institute); PubMed 35368817 (cited by Victorian Clinical Genetics Services, Murdoch Childrens Research Institute); PubMed 36239278 (cited by Victorian Clinical Genetics Services, Murdoch Childrens Research Institute); PubMed 7695699 (cited by Labcorp Genetics (formerly Invitae), Labcorp); PubMed 8218237 (cited by Labcorp Genetics (formerly Invitae), Labcorp); PubMed 19344236 (cited by Labcorp Genetics (formerly Invitae), Labcorp); PubMed 23720012 (cited by Labcorp Genetics (formerly Invitae), Labcorp); PubMed 27627812 (cited by Labcorp Genetics (formerly Invitae), Labcorp).